The following is an entry in ClinVar:

ClinVar aggregate classification (germline): Uncertain significance (1 of 4 stars; one submission).

Submission:

Labcorp Genetics (formerly Invitae), Labcorp
Classification: Uncertain significance. Last evaluated: 2021-10-25. Review status: criteria provided, single submitter. Criteria: Invitae Variant Classification Sherloc (09022015). Collection method: clinical testing. Allele origin: germline.
Comment: This sequence change replaces glycine with aspartic acid at codon 117 of the OSGEP protein (p.Gly117Asp). The glycine residue is highly conserved and there is a moderate physicochemical difference between glycine and aspartic acid. This variant is not present in population databases (ExAC no frequency). This variant has not been reported in the literature in individuals affected with OSGEP-related conditions. Algorithms developed to predict the effect of missense changes on protein structure and function (SIFT, PolyPhen-2, Align-GVGD) all suggest that this variant is likely to be disruptive. In summary, the available evidence is currently insufficient to determine the role of this variant in disease. Therefore, it has been classified as a Variant of Uncertain Significance.

NM_017807.4(OSGEP):c.350G>A (p.Gly117Asp)

Genes: OSGEP (O-sialoglycoprotein endopeptidase; minus strand), LOC107372315 (OSGEP/APEX1 bi-directional promoter region; plus strand). Cytogenetic location: 14q11.2.
Variant type: single nucleotide variant.
Coding change: c.350G>A on transcript NM_017807.4 (MANE Select); coding-DNA position 350, G replaced by A.
Protein change: p.Gly117Asp; replaces glycine 117 with aspartic acid.
Molecular consequence: missense variant.
Genome position (GRCh38, 1-based): chr14:20,452,035, C>T on the plus strand (G>A on the coding strand, the complement: OSGEP is on the minus strand). VCF-style: chr14-20452035-C-T. GRCh37 (hg19) VCF-style: chr14-20920194-C-T.
Other names: short protein forms G117D.
Identifiers: ClinVar variation 1347105 (VCV001347105.6), dbSNP rs2139293860, ClinGen allele CA389124386.